The following is an entry in ClinVar:

NM_000257.4(MYH7):c.671A>G (p.Asn224Ser)

Gene: MYH7 (myosin heavy chain 7; minus strand). Cytogenetic location: 14q11.2.
Variant type: single nucleotide variant.
Coding change: c.671A>G on transcript NM_000257.4 (MANE Select); coding-DNA position 671, A replaced by G.
Protein change: p.Asn224Ser; replaces asparagine 224 with serine.
Molecular consequence: missense variant.
Genome position (GRCh38, 1-based): chr14:23,431,646, T>C on the plus strand (A>G on the coding strand, the complement: MYH7 is on the minus strand). VCF-style: chr14-23431646-T-C. GRCh37 (hg19) VCF-style: chr14-23900855-T-C.
Other names: c.671A>G, p.Asn224Ser (NM_001407004.1); short protein forms N224S.
Identifiers: ClinVar variation 2017174 (VCV002017174.4), dbSNP rs727505148, ClinGen allele CA389052288.

ClinVar aggregate classification (germline): Uncertain significance (1 of 4 stars; one submission).

Conditions:
Hypertrophic cardiomyopathy. Also called: HYPERTROPHIC MYOCARDIOPATHY. Identifiers: Orphanet 217569, MedGen C0007194, MeSH D002312, MONDO:0005045, HP:0001639.

Submission:

Labcorp Genetics (formerly Invitae), Labcorp
Classification: Uncertain significance for Hypertrophic cardiomyopathy. Last evaluated: 2022-07-14. Review status: criteria provided, single submitter. Criteria: Invitae Variant Classification Sherloc (09022015). Collection method: clinical testing. Allele origin: germline.
Comment: In summary, the available evidence is currently insufficient to determine the role of this variant in disease. Therefore, it has been classified as a Variant of Uncertain Significance. This variant is found within a region of MYH7 between codons 181 and 937 that contains the majority of the myosin head domain. Missense variants in this region have been shown to be significantly overrepresented in individuals with hypertrophic cardiomyopathy (PMID: 27532257). Algorithms developed to predict the effect of missense changes on protein structure and function are either unavailable or do not agree on the potential impact of this missense change (SIFT: "Deleterious"; PolyPhen-2: "Probably Damaging"; Align-GVGD: "Class C0"). This variant has not been reported in the literature in individuals affected with MYH7-related conditions. This variant is not present in population databases (gnomAD no frequency). This sequence change replaces asparagine, which is neutral and polar, with serine, which is neutral and polar, at codon 224 of the MYH7 protein (p.Asn224Ser).

Literature cited by the submitters: PubMed 27532257.